The following is an entry in ClinVar:

ClinVar aggregate classification (germline): Uncertain significance. Review status: criteria provided, multiple submitters, no conflicts (2 of 4 stars). 3 submissions from 3 submitters: Uncertain significance (3). Last evaluated 2025-04-12.

Conditions:
Inborn genetic diseases. Identifiers: MedGen C0950123, MeSH D030342.
Obesity. Also called: Obesity disorder. Identifiers: Orphanet 71529, MedGen C0028754, MeSH D009765, MONDO:0011122, HP:0001513.

Submissions (3):

Ambry Genetics
Classification: Uncertain significance for Inborn genetic diseases. Last evaluated: 2025-04-12. Review status: criteria provided, single submitter. Criteria: Ambry Variant Classification Scheme 2023. Collection method: clinical testing. Allele origin: germline.

Labcorp Genetics (formerly Invitae), Labcorp
Classification: Uncertain significance. Last evaluated: 2024-12-12. Review status: criteria provided, single submitter. Criteria: Invitae Variant Classification Sherloc (09022015). Collection method: clinical testing. Allele origin: germline.
Comment: This sequence change replaces phenylalanine, which is neutral and non-polar, with valine, which is neutral and non-polar, at codon 2223 of the ARID1A protein (p.Phe2223Val). This variant is present in population databases (no rsID available, gnomAD 0.0008%). This variant has not been reported in the literature in individuals affected with ARID1A-related conditions. Invitae Evidence Modeling of protein sequence and biophysical properties (such as structural, functional, and spatial information, amino acid conservation, physicochemical variation, residue mobility, and thermodynamic stability) indicates that this missense variant is not expected to disrupt ARID1A protein function with a negative predictive value of 80%. In summary, the available evidence is currently insufficient to determine the role of this variant in disease. Therefore, it has been classified as a Variant of Uncertain Significance.

Cambridge Genomics Laboratory, East Genomic Laboratory Hub, NHS Genomic Medicine Service
Classification: Uncertain significance for Obesity. Last evaluated: 2020-02-11. Review status: criteria provided, single submitter. Criteria: ACGS Best Practice Guidelines for Variant Classification in Rare Disease 2020. Collection method: clinical testing. Allele origin: germline. Affected: yes. Observed: 1 variant allele.

NM_006015.6(ARID1A):c.6667T>G (p.Phe2223Val)

Gene: ARID1A (AT-rich interaction domain 1A; plus strand). Cytogenetic location: 1p36.11.
Variant type: single nucleotide variant.
Coding change: c.6667T>G on transcript NM_006015.6 (MANE Select); coding-DNA position 6667, T replaced by G.
Protein change: p.Phe2223Val; replaces phenylalanine 2223 with valine.
Molecular consequence: missense variant.
Genome position (GRCh38, 1-based): chr1:26,780,565, T>G. VCF-style: chr1-26780565-T-G. GRCh37 (hg19) VCF-style: chr1-27107056-T-G.
Other names: c.6016T>G, p.Phe2006Val (NM_139135.4); short protein forms F2006V, F2223V.
Identifiers: ClinVar variation 3629307 (VCV003629307.4).